The following is an entry in ClinVar:

ClinVar aggregate classification (germline): Uncertain significance (1 of 4 stars; one submission).

Conditions:
TUB-related disorder. Also called: TUB-related condition.

gnomAD v4.1: 1 of 1,611,070 alleles (0.000062%); no homozygotes.

Submission:

PreventionGenetics, part of Exact Sciences
Classification: Uncertain significance for TUB-related condition. Last evaluated: 2025-05-12. Review status: criteria provided, single submitter. Criteria: ACMG Guidelines, 2015. Collection method: clinical testing. Allele origin: germline.
Comment: The TUB c.1051-5C>A variant is predicted to interfere with splicing. This variant is predicted to impact splicing based on a splicing prediction program (SpliceAI, Jaganathan K, et al. 2019. PubMed ID: 30661751). To our knowledge, this variant has not been reported in the literature or in a large population database (gnomAD), indicating this variant is rare. At this time, the clinical significance of this variant is uncertain due to the absence of conclusive functional and genetic evidence.

NM_177972.3(TUB):c.886-5C>A

Genes: RIC3 (RIC3 acetylcholine receptor chaperone; minus strand), TUB (TUB bipartite transcription factor; plus strand). Cytogenetic location: 11p15.4.
Variant type: single nucleotide variant.
Coding change: c.886-5C>A on transcript NM_177972.3 (MANE Select); 5 bases into the intron before coding-DNA position 886, C replaced by A.
Molecular consequence: intron variant.
Genome position (GRCh38, 1-based): chr11:8,097,709, C>A. VCF-style: chr11-8097709-C-A. GRCh37 (hg19) VCF-style: chr11-8119256-C-A.
Other names: c.904-5C>A (NM_001440538.1, NM_001440539.1); c.736-5C>A (NM_001440540.1, NM_001440542.1); c.1051-5C>A (NM_003320.5); c.718-5C>A (NM_001440541.1).
Identifiers: ClinVar variation 4998672 (VCV004998672.1).